The following is an entry in ClinVar:

ClinVar aggregate classification (germline): Benign (1 of 4 stars; one submission).

Allele frequency attached by ClinVar (database versions not stated): gnomAD 0.70773 and 0.70871; TOPMed 0.72470; 1000 Genomes Project 0.78814; 1000 Genomes Project 30x 0.79044.
gnomAD v4.1: 107,679 of 152,136 alleles (71%); highest among the groups gnomAD compares: East Asian, 99%; 39,044 homozygotes.

Submission:

GeneDx
Classification: Benign. Last evaluated: 2018-06-14. Review status: criteria provided, single submitter. Criteria: GeneDx Variant Classification (06012015). Collection method: clinical testing. Allele origin: germline. Affected: yes.
Comment: This variant is considered likely benign or benign based on one or more of the following criteria: it is a conservative change, it occurs at a poorly conserved position in the protein, it is predicted to be benign by multiple in silico algorithms, and/or has population frequency not consistent with disease.

NM_000289.6(PFKM):c.1062+288T>A

Gene: PFKM (phosphofructokinase, muscle; plus strand). Cytogenetic location: 12q13.11.
Variant type: single nucleotide variant.
Coding change: c.1062+288T>A on transcript NM_000289.6 (MANE Select); 288 bases into the intron after coding-DNA position 1062, T replaced by A.
Molecular consequence: intron variant.
Genome position (GRCh38, 1-based): chr12:48,138,134, T>A. VCF-style: chr12-48138134-T-A. GRCh37 (hg19) VCF-style: chr12-48531917-T-A.
Other names: c.1086+288T>A (NM_001354741.2); c.1062+288T>A (NM_001354742.2, NM_001354743.2, NM_001354744.2 and 2 more transcripts); c.912+288T>A (NM_001354747.2, NM_001354748.2); c.1275+288T>A (NM_001166686.2, NM_001354737.1, NM_001354739.1 and 1 more transcripts); c.1371+288T>A (NM_001354736.1, NM_001354735.1); c.1206+288T>A (NM_001354740.1); c.975+288T>A (NM_001354745.2); c.937-1151T>A (NM_001354746.2); and 1 more.
Identifiers: ClinVar variation 683493 (VCV000683493.1), dbSNP rs10875749, ClinGen allele CA15735343.